The following is an entry in ClinVar:

NM_001942.4(DSG1):c.2649G>T (p.Met883Ile)

Genes: DSG1 (desmoglein 1; plus strand), DSG1-AS1 (DSG1 antisense RNA 1; minus strand), LOC126862720 (MED14-independent group 3 enhancer GRCh37_chr18:28933613-28934812; plus strand). Cytogenetic location: 18q12.1.
Variant type: single nucleotide variant.
Coding change: c.2649G>T on transcript NM_001942.4 (MANE Select); coding-DNA position 2649, G replaced by T.
Protein change: p.Met883Ile; replaces methionine 883 with isoleucine.
Molecular consequence: missense variant.
Genome position (GRCh38, 1-based): chr18:31,354,845, G>T. VCF-style: chr18-31354845-G-T. GRCh37 (hg19) VCF-style: chr18-28934808-G-T.
Other names: short protein forms M883I.
Identifiers: ClinVar variation 3657784 (VCV003657784.2).

ClinVar aggregate classification (germline): Uncertain significance (1 of 4 stars; one submission).

Submission:

Labcorp Genetics (formerly Invitae), Labcorp
Classification: Uncertain significance. Last evaluated: 2024-06-25. Review status: criteria provided, single submitter. Criteria: Invitae Variant Classification Sherloc (09022015). Collection method: clinical testing. Allele origin: germline.
Comment: This sequence change replaces methionine, which is neutral and non-polar, with isoleucine, which is neutral and non-polar, at codon 883 of the DSG1 protein (p.Met883Ile). This variant is not present in population databases (gnomAD no frequency). This variant has not been reported in the literature in individuals affected with DSG1-related conditions. Algorithms developed to predict the effect of missense changes on protein structure and function output the following: SIFT: "Not Available"; PolyPhen-2: "Benign"; Align-GVGD: "Not Available". The isoleucine amino acid residue is found in multiple mammalian species, which suggests that this missense change does not adversely affect protein function. In summary, the available evidence is currently insufficient to determine the role of this variant in disease. Therefore, it has been classified as a Variant of Uncertain Significance.